The following continues an entry in ClinVar:

NM_000256.3(MYBPC3):c.1000G>A (p.Glu334Lys)

Gene: MYBPC3. ClinVar aggregate classification (germline): Conflicting classifications of pathogenicity. Uncertain significance (9); Benign (2); Likely benign (5).

Submissions 10 to 16 of 16:

Victorian Clinical Genetics Services, Murdoch Childrens Research Institute
Classification: Uncertain significance for Hypertrophic cardiomyopathy 4. Last evaluated: 2020-10-19. Review status: criteria provided, single submitter. Criteria: ACMG Guidelines, 2015. Collection method: clinical testing. Allele origin: germline. Inheritance: Autosomal dominant inheritance.
Comment: Based on the classification scheme VCGS_Germline_v1.3.3, this variant is classified as 3C-VUS. Following criteria are met: 0102 - Loss of function is a known mechanism of disease in this gene and is associated with hypertrophic cardiomyopathy 4 (MIM#115197). (I) 0108 - This gene is associated with both recessive and dominant disease. Heterozygous variants are frequently reported in adult onset conditions however, recessive inheritance results in a more severe early-onset phenotype (OMIM). (I) 0200 - Variant is predicted to result in a missense amino acid change from glutamic acid to lysine. (I) 0251 - This variant is heterozygous. (I) 0310 - Variant is present in gnomAD (v2) >=0.001 and <0.01 for a dominant condition (66 heterozygotes, 0 homozygotes). (I) 0502 - Missense variant with conflicting in silico predictions but very high conservation. (I) 0600 - Variant is located in the annotated tri-helix bundle domain (NCBI, PDB). (I) 0808 - Previous reports of pathogenicity for this variant are conflicting. The variant has previously been reported as benign, a VUS and pathogenic in association with hypertrophic cardiomyopathy 4 (MIM#115197). It is commonly found in East Asian cohorts, and has sometimes been observed in patients with an alternative pathogenic variant in another gene that may explain their condition (ClinVar, HGMD, LOVD, PMIDs: 17560888, 31028938, 32492895). (I) 1002 - This variant has moderate functional evidence supporting abnormal protein function. Studies in transfected cells demonstrated a loss of function (PMID: 18929575). (SP) 1208 - Inheritance information for this variant is not currently available in this individual. (I) Legend: (SP) - Supporting pathogenic, (I) - Information, (SB) - Supporting benign

Ambry Genetics
Classification: Likely benign for Cardiovascular phenotype. Last evaluated: 2020-03-11. Review status: criteria provided, single submitter. Criteria: Ambry Variant Classification Scheme 2023. Collection method: clinical testing. Allele origin: germline.

Mendelics
Classification: Uncertain significance for Hypertrophic cardiomyopathy 4. Last evaluated: 2019-05-28. Review status: criteria provided, single submitter. Criteria: Mendelics Assertion Criteria 2017. Collection method: clinical testing. Allele origin: unknown.

Laboratory for Molecular Medicine, Mass General Brigham Personalized Medicine
Classification: Uncertain significance. Last evaluated: 2019-03-14. Review status: criteria provided, single submitter. Criteria: LMM Criteria. Collection method: clinical testing. Allele origin: germline. Observed: 3 variant alleles.
Comment: Variant classified as Uncertain Significance - Favor Benign. The p.Glu334Lys variant in MYBPC3 has been reported in >15 individuals with HCM (Anan 2007, Bahrudin 2008, Olivotto 2008, Gruner 2011, Zou 2013, Wang 2014, Jang 2015, Ntusi 2016, Guo 2017, Teramoto 2018, LMM data), 1 individual with DCM (Jang 2015), 1 individual with RCM (Wu 2015), and 1 individual with sudden cardiac death syndrome (Song 2017). However, no segregation data is available and at least 3 individuals with HCM carried additional variants that would be sufficient to explain their disease. Furthermore, the p.Glu334Lys variant has also been identified in 0.33% (65/19470) of East Asian chromosomes by gnomAD. This population frequency is significantly higher than expected for a variant causative of dominant HCM. In vitro functional studies provide some evidence that the p.Glu334Lys variant may impact protein function (Bahrudin 2011); however, these types of assays may not accurately represent biological function. Additionally, computational prediction tools and conservation analysis support that the p.Glu334Lys variant may impact the protein, though this information is not predictive enough to determine pathogenicity. Finally, this variant has been reported with conflicting interpretations in ClinVar (Variation ID 177902). In summary, while its frequency suggests that it is more likely to be benign, the clinical significance of the p.Glu334Lys variant remains uncertain due to the presence of conflicting data. ACMG/AMP Criteria applied: PP3; PS3_Supporting; BA1.

Illumina Laboratory Services, Illumina
Classification: Benign for Left ventricular noncompaction 10. Last evaluated: 2017-04-27. Review status: criteria provided, single submitter. Criteria: ICSL Variant Classification Criteria 13 December 2019. Collection method: clinical testing. Allele origin: germline.
Comment: This variant was observed as part of a predisposition screen in an ostensibly healthy population. A literature search was performed for the gene, cDNA change, and amino acid change (where applicable). No publications were found based on this search. Allele frequency data from public databases was too high to be consistent with this variant causing disease. Therefore, this variant is classified as benign.

Stanford Center for Inherited Cardiovascular Disease, Stanford University
Classification: Uncertain significance. Last evaluated: 2014-01-07. Review status: criteria provided, single submitter. Criteria: ACMG Guidelines, 2015. Collection method: provider interpretation. Allele origin: germline.

Juno Genomics, Hangzhou Juno Genomics, Inc
Classification: Uncertain significance for Left ventricular noncompaction 10; Hypertrophic cardiomyopathy 4. Review status: criteria provided, single submitter. Criteria: ACMG Guidelines, 2015. Collection method: clinical testing. Allele origin: germline. Affected: yes.
Comment: Well-established in vitro or in vivo functional studies supportive of a damaging effect on the gene or gene product.;The prevalence of the variant in affected individuals is significantly increased compared to the prevalence in controls.;Allele frequency is greater than expected for disorder.

Literature cited by the submitters: PubMed 17560888 (cited by 4 submitters); PubMed 18533079 (cited by 3 submitters); PubMed 18929575 (cited by 5 submitters); PubMed 25132132 (cited by 4 submitters); PubMed 25856671 (cited by 3 submitters); PubMed 27841901 (cited by Women's Health and Genetics/Laboratory Corporation of America, LabCorp and Laboratory for Molecular Medicine, Mass General Brigham Personalized Medicine); PubMed 28202948 (cited by 3 submitters); PubMed 32492895 (cited by 3 submitters); PubMed 21939669 (cited by 4 submitters); PubMed 28323875 (cited by 3 submitters); PubMed 31918855 (cited by Women's Health and Genetics/Laboratory Corporation of America, LabCorp); PubMed 29555771 (cited by Women's Health and Genetics/Laboratory Corporation of America, LabCorp and Laboratory for Molecular Medicine, Mass General Brigham Personalized Medicine); PubMed 29398688 (cited by Women's Health and Genetics/Laboratory Corporation of America, LabCorp and Laboratory for Molecular Medicine, Mass General Brigham Personalized Medicine); PubMed 26163040 (cited by 4 submitters); PubMed 21511876 (cited by 3 submitters); PubMed 23283745 (cited by 3 submitters); PubMed 23711808 (cited by All of Us Research Program, National Institutes of Health and Ambry Genetics); PubMed 23740383 (cited by All of Us Research Program, National Institutes of Health and Ambry Genetics); PubMed 26090888 (cited by All of Us Research Program, National Institutes of Health and Ambry Genetics); PubMed 32380161 (cited by All of Us Research Program, National Institutes of Health); PubMed 33830315 (cited by All of Us Research Program, National Institutes of Health); PubMed 34853230 (cited by All of Us Research Program, National Institutes of Health); PubMed 35284542 (cited by All of Us Research Program, National Institutes of Health); PubMed 31028938 (cited by Victorian Clinical Genetics Services, Murdoch Childrens Research Institute); PubMed 20045868 (cited by Ambry Genetics and Laboratory for Molecular Medicine, Mass General Brigham Personalized Medicine); PubMed 22455086 (cited by Ambry Genetics); PubMed 25351510 (cited by Ambry Genetics); PubMed 28031081 (cited by Ambry Genetics); PubMed 28518168 (cited by Ambry Genetics and Laboratory for Molecular Medicine, Mass General Brigham Personalized Medicine); PubMed 31699567 (cited by Ambry Genetics); PubMed 28679633 (cited by Laboratory for Molecular Medicine, Mass General Brigham Personalized Medicine); PubMed 28193612 (cited by Laboratory for Molecular Medicine, Mass General Brigham Personalized Medicine).